The following is an entry in ClinVar:

ClinVar aggregate classification (germline): Uncertain significance. Review status: criteria provided, multiple submitters, no conflicts (2 of 4 stars). 2 submissions from 2 submitters: Uncertain significance (2). Last evaluated 2025-09-24.

Conditions:
Dilated cardiomyopathy 2B. Identifiers: Orphanet 154, MedGen C3553409, MONDO:0013848, OMIM 614672.
Cardiovascular phenotype. Identifiers: MedGen CN230736.

Submissions (2):

Ambry Genetics
Classification: Uncertain significance for Cardiovascular phenotype. Last evaluated: 2025-09-24. Review status: criteria provided, single submitter. Criteria: Ambry Variant Classification Scheme 2023. Collection method: clinical testing. Allele origin: germline.
Comment: The c.237_242dupGGGCGG variant (also known as p.G80_G81dup), located in coding exon 1 of the GATAD1 gene, results from an in-frame duplication of GGGCGG at nucleotide positions 237 to 242. This results in the duplication of 2 extra residues (GG) between codons 80 and 81. This amino acid positions are highly conserved in available vertebrate species. In addition, this variant is predicted to be neutral by in silico analysis (Choi Y et al. PLoS ONE. 2012; 7(10):e46688). The evidence for this gene-disease relationship is limited; therefore, the clinical significance of this alteration is unclear.

Labcorp Genetics (formerly Invitae), Labcorp
Classification: Uncertain significance for Dilated cardiomyopathy 2B. Last evaluated: 2023-06-23. Review status: criteria provided, single submitter. Criteria: Invitae Variant Classification Sherloc (09022015). Collection method: clinical testing. Allele origin: germline.
Comment: Experimental studies and prediction algorithms are not available or were not evaluated, and the functional significance of this variant is currently unknown. This variant has not been reported in the literature in individuals affected with GATAD1-related conditions. This variant is present in population databases (no rsID available, gnomAD 0.007%). This variant, c.237_242dup, results in the insertion of 2 amino acid(s) of the GATAD1 protein (p.Gly80_Gly81dup), but otherwise preserves the integrity of the reading frame. In summary, the available evidence is currently insufficient to determine the role of this variant in disease. Therefore, it has been classified as a Variant of Uncertain Significance.

NM_021167.5(GATAD1):c.231GGGCGG[3] (p.Gly80_Gly81dup)

Genes: GATAD1 (GATA zinc finger domain containing 1; plus strand), LOC129998793 (ATAC-STARR-seq lymphoblastoid silent region 18371; plus strand). Cytogenetic location: 7q21.2.
Variant type: Microsatellite.
Coding change: c.231GGGCGG[3] on transcript NM_021167.5 (MANE Select); three copies in a row of the 6-base unit GGGCGG starting at c.231; the reference has two copies in a row; one copy, 6 bases duplicated.
Protein change: p.Gly80_Gly81dup.
Molecular consequence: inframe insertion. On other transcripts: non-coding transcript variant (1).
Genome position (GRCh38, 1-based): chr7:92,447,966-92,447,971, GGGCGG duplicated; duplicating any 6 consecutive bases within chr7:92,447,957-92,447,971 gives the same sequence; the position shown is the placement nearest the transcript's 3' end. VCF-style (leftmost placement, unchanged base first): chr7-92447956-A-ACGGGGG. GRCh37 (hg19) VCF-style: chr7-92077270-A-ACGGGGG.
Identifiers: ClinVar variation 1005144 (VCV001005144.12), dbSNP rs1415933913, ClinGen allele CA576706517.
Genomic context (GRCh38, chr7:92,447,956, plus strand): 5'-GCGGCGGCGGCTTCGGCGCGGCGACCTTCGCCAGCACCTCCGCCACCCCTCCGCAGAGCA[A>ACGGGGG]CGGGGGCGGGGGCGGCAAGCAGGTGAGCTCCTCCGGCCCCTCCCGCCGGCGGAGGCCGAC-3'